The following is an entry in ClinVar:

ClinVar aggregate classification (germline): Uncertain significance (1 of 4 stars; one submission).

Conditions:
Familial cancer of breast. Also called: BREAST CANCER, FAMILIAL; Hereditary breast cancer; hereditary breast carcinoma. Identifiers: Orphanet 227535, MedGen C0346153, MONDO:0016419, OMIM 114480. Disease mechanism: loss of function.

Submission:

Labcorp Genetics (formerly Invitae), Labcorp
Classification: Uncertain significance for Familial cancer of breast. Last evaluated: 2021-06-28. Review status: criteria provided, single submitter. Criteria: Invitae Variant Classification Sherloc (09022015). Collection method: clinical testing. Allele origin: germline.
Comment: This sequence change replaces isoleucine with serine at codon 717 of the BARD1 protein (p.Ile717Ser). The isoleucine residue is highly conserved and there is a large physicochemical difference between isoleucine and serine. This variant is not present in population databases (ExAC no frequency). This variant has not been reported in the literature in individuals with BARD1-related conditions. Algorithms developed to predict the effect of missense changes on protein structure and function (SIFT, PolyPhen-2, Align-GVGD) all suggest that this variant is likely to be disruptive, but these predictions have not been confirmed by published functional studies and their clinical significance is uncertain. In summary, the available evidence is currently insufficient to determine the role of this variant in disease. Therefore, it has been classified as a Variant of Uncertain Significance.

NM_000465.4(BARD1):c.2150T>G (p.Ile717Ser)

Gene: BARD1 (BRCA1 associated RING domain 1; minus strand). Cytogenetic location: 2q35.
Variant type: single nucleotide variant.
Coding change: c.2150T>G on transcript NM_000465.4 (MANE Select); coding-DNA position 2150, T replaced by G.
Protein change: p.Ile717Ser; replaces isoleucine 717 with serine.
Molecular consequence: missense variant. On other transcripts: non-coding transcript variant (3).
Genome position (GRCh38, 1-based): chr2:214,728,860, A>C on the plus strand (T>G on the coding strand, the complement: BARD1 is on the minus strand). VCF-style: chr2-214728860-A-C. GRCh37 (hg19) VCF-style: chr2-215593584-A-C.
Other names: c.2093T>G, p.Ile698Ser (NM_001282543.2); c.797T>G, p.Ile266Ser (NM_001282545.2); c.740T>G, p.Ile247Ser (NM_001282548.2); c.611T>G, p.Ile204Ser (NM_001282549.2); short protein forms I247S, I204S, I717S, I266S, I698S.
Identifiers: ClinVar variation 1364300 (VCV001364300.9), dbSNP rs876658526, ClinGen allele CA350450467.